The following is an entry in ClinVar:

NM_022166.4(XYLT1):c.951C>T (p.Ser317=)

Gene: XYLT1 (xylosyltransferase 1; minus strand). Cytogenetic location: 16p12.3.
Variant type: single nucleotide variant.
Coding change: c.951C>T on transcript NM_022166.4 (MANE Select); coding-DNA position 951, C replaced by T.
Protein change: p.Ser317=; no amino-acid change (serine 317 retained).
Molecular consequence: synonymous variant.
Genome position (GRCh38, 1-based): chr16:17,200,617, G>A on the plus strand (C>T on the coding strand, the complement: XYLT1 is on the minus strand). VCF-style: chr16-17200617-G-A. GRCh37 (hg19) VCF-style: chr16-17294474-G-A.
Other names: c.951C>T (NM_022166.3).
Identifiers: ClinVar variation 1542489 (VCV001542489.10), dbSNP rs145318002, ClinGen allele CA7928059.
Genomic context (GRCh38, chr16:17,200,617, plus strand): 5'-ACGGCCGTGGACCACCAGGACAAAGGCGATTCTGACCGGGTTGGCTGGCATGTACTCCAC[G>A]GAGTCCTCGTCCCACTGCACGTTCTTGTTGGCTTTACCTGGGGAAAATCCAAGAGAACAG-3'
Protein context (NP_071449.1, residues 307-327): ANKNVQWDED[Ser317=]VEYMPANPVR

ClinVar aggregate classification (germline): Benign. Review status: criteria provided, single submitter (1 of 4 stars). 2 submissions from 2 submitters: Benign (1). 1 of the submissions does not count toward it. Last evaluated 2025-08-03.

Conditions:
Desbuquois dysplasia 1 (DBQD1). Also called: MICROMELIC DWARFISM WITH VERTEBRAL AND METAPHYSEAL ABNORMALITIES AND ADVANCED CARPOTARSAL OSSIFICATION; DESBUQUOIS DYSPLASIA 1, KIM VARIANT. Identifiers: Orphanet 1425, MedGen C4012146, MONDO:0009629, OMIM 251450.
XYLT1-related disorder. Also called: XYLT1-related condition.

Allele frequency attached by ClinVar (database versions not stated): gnomAD 0.00017 and 0.00018; gnomAD exomes 0.00017 and 0.00041; TOPMed 0.00022; ESP Exome Variant Server 0.00023; ExAC 0.00033.
gnomAD v4.1: 293 of 1,613,970 alleles (0.018%); highest among the groups gnomAD compares: African/African-American, 0.004%; 4 homozygotes.

Submissions (2):

Labcorp Genetics (formerly Invitae), Labcorp
Classification: Benign for Desbuquois dysplasia 1. Last evaluated: 2025-08-03. Review status: criteria provided, single submitter. Criteria: Invitae Variant Classification Sherloc (09022015). Collection method: clinical testing. Allele origin: germline.

PreventionGenetics, part of Exact Sciences
Classification: Benign for XYLT1-related condition. Last evaluated: 2019-11-06. Review status: no assertion criteria provided. Collection method: clinical testing. Allele origin: germline. Not counted in ClinVar's aggregate classification.
Comment: This variant is classified as benign based on ACMG/AMP sequence variant interpretation guidelines (Richards et al. 2015 PMID: 25741868, with internal and published modifications).